The following is an entry in ClinVar:

Conditions:
Breast-ovarian cancer, familial, susceptibility to, 1 (BROVCA1). Also called: BRCA1 Hereditary Breast and Ovarian Cancer; OVARIAN CANCER, SUSCEPTIBILITY TO. Identifiers: Orphanet 145, MedGen C2676676, MONDO:0011450, OMIM 604370. Disease mechanism: loss of function.

Submission:

Brotman Baty Institute, University of Washington
No classification provided (evidence only). Condition: Breast-ovarian cancer, familial 1. Review status: no classification provided. Collection method: in vitro. Allele origin: not applicable. Functional consequence: functionally_normal.
ClinVar note: "not provided" was previously submitted as the classification for the variant. However, the classification appeared to be based only on an observation of functional data so it was converted to no classification on 2025-07-30.

NM_007294.4(BRCA1):c.5150T>G (p.Phe1717Cys)

Gene: BRCA1 (BRCA1 DNA repair associated; minus strand). Cytogenetic location: 17q21.31.
Variant type: single nucleotide variant.
Coding change: c.5150T>G on transcript NM_007294.4 (MANE Select); coding-DNA position 5150, T replaced by G.
Protein change: p.Phe1717Cys; replaces phenylalanine 1717 with cysteine.
Molecular consequence: missense variant. On other transcripts: non-coding transcript variant (1).
Genome position (GRCh38, 1-based): chr17:43,063,876, A>C on the plus strand (T>G on the coding strand, the complement: BRCA1 is on the minus strand). VCF-style: chr17-43063876-A-C. GRCh37 (hg19) VCF-style: chr17-41215893-A-C.
Other names: c.4937T>G, p.Phe1646Cys (NM_001407571.1, NM_001407894.1, NM_001407895.1 and 12 more transcripts); c.5216T>G, p.Phe1739Cys (NM_001407581.1, NM_001407582.1); c.5213T>G, p.Phe1738Cys (NM_001407583.1, NM_001407585.1, NM_001407587.1 and 1 more transcripts); c.5210T>G, p.Phe1737Cys (NM_001407590.1, NM_001407591.1); c.5150T>G, p.Phe1717Cys (NM_001407593.1, NM_001407594.1, NM_001407596.1 and 7 more transcripts); c.5147T>G, p.Phe1716Cys (NM_001407619.1, NM_001407620.1, NM_001407621.1 and 17 more transcripts); c.5144T>G, p.Phe1715Cys (NM_001407627.1, NM_001407638.1, NM_001407639.1 and 14 more transcripts); c.5141T>G, p.Phe1714Cys (NM_001407644.1, NM_001407645.1); and 71 more; short protein forms F1670C, F1717C, F1738C, F613C, F1420C, F1590C, F1627C, F1629C.
Identifiers: ClinVar variation 865025 (VCV000865025.3), dbSNP rs2051906738, ClinGen allele CA10591246.